The following is an entry in ClinVar:

ClinVar aggregate classification (germline): Benign/Likely benign. Review status: criteria provided, multiple submitters, no conflicts (2 of 4 stars). 5 submissions from 5 submitters: Benign (1); Likely benign (3). 1 of the submissions does not count toward it. Last evaluated 2026-01-27.

Conditions:
LARP7-related disorder. Also called: LARP7-related condition.

Allele frequency attached by ClinVar (database versions not stated): gnomAD exomes 0.00020 and 0.00060; ExAC 0.00080; gnomAD 0.00239; TOPMed 0.00281; 1000 Genomes Project 0.00319; ESP Exome Variant Server 0.00332; 1000 Genomes Project 30x 0.00375.

Submissions (5):

Labcorp Genetics (formerly Invitae), Labcorp
Classification: Benign. Last evaluated: 2026-01-27. Review status: criteria provided, single submitter. Criteria: Invitae Variant Classification Sherloc (09022015). Collection method: clinical testing. Allele origin: germline.

Blueprint Genetics
Classification: Likely benign. Last evaluated: 2024-11-13. Review status: criteria provided, single submitter. Criteria: ACMG Guidelines, 2015. Collection method: clinical testing. Allele origin: germline.

Genetic Services Laboratory, University of Chicago
Classification: Likely benign. Last evaluated: 2020-10-27. Review status: criteria provided, single submitter. Criteria: ACMG Guidelines, 2015. Collection method: clinical testing. Allele origin: germline. Affected: no.

Breakthrough Genomics
Classification: Likely benign. Review status: criteria provided, single submitter. Criteria: ACMG Guidelines, 2015. Collection method: not provided. Allele origin: germline. Inheritance: Autosomal recessive inheritance. Affected: yes.

PreventionGenetics, part of Exact Sciences
Classification: Benign for LARP7-related condition. Last evaluated: 2019-10-16. Review status: no assertion criteria provided. Collection method: clinical testing. Allele origin: germline. Not counted in ClinVar's aggregate classification.
Comment: This variant is classified as benign based on ACMG/AMP sequence variant interpretation guidelines (Richards et al. 2015 PMID: 25741868, with internal and published modifications).

NM_016648.4(LARP7):c.734A>G (p.Asn245Ser)

Genes: LARP7 (La ribonucleoprotein 7, transcriptional regulator; plus strand), MIR302CHG (miR-302/367 cluster host gene; minus strand). Cytogenetic location: 4q25.
Variant type: single nucleotide variant.
Coding change: c.734A>G on transcript NM_016648.4 (MANE Select); coding-DNA position 734, A replaced by G.
Protein change: p.Asn245Ser; replaces asparagine 245 with serine.
Molecular consequence: missense variant.
Genome position (GRCh38, 1-based): chr4:112,647,286, A>G. VCF-style: chr4-112647286-A-G. GRCh37 (hg19) VCF-style: chr4-113568442-A-G.
Other names: c.734A>G, p.Asn245Ser (NM_001267039.4, NM_001370974.1, NM_001370975.1 and 2 more transcripts); c.731A>G, p.Asn244Ser (NM_001370976.1, NM_001370977.1, NM_001370979.1 and 1 more transcripts); c.497A>G, p.Asn166Ser (NM_001370981.1, NM_001370982.1); c.755A>G (NM_001267039.1); short protein forms N166S, N244S, N245S.
Identifiers: ClinVar variation 716109 (VCV000716109.17), dbSNP rs61602805, ClinGen allele CA3049255.